The following is an entry in ClinVar:

NM_002439.5(MSH3):c.872T>G (p.Phe291Cys)

Gene: MSH3 (mutS homolog 3; plus strand). Cytogenetic location: 5q14.1.
Variant type: single nucleotide variant.
Coding change: c.872T>G on transcript NM_002439.5 (MANE Select); coding-DNA position 872, T replaced by G.
Protein change: p.Phe291Cys; replaces phenylalanine 291 with cysteine.
Molecular consequence: missense variant.
Genome position (GRCh38, 1-based): chr5:80,672,323, T>G. VCF-style: chr5-80672323-T-G. GRCh37 (hg19) VCF-style: chr5-79968142-T-G.
Other names: c.872T>G (NM_002439.3); short protein forms F291C.
Identifiers: ClinVar variation 1503532 (VCV001503532.9), dbSNP rs749300303, ClinGen allele CA3327730.
Genomic context (GRCh38, chr5:80,672,323, plus strand): 5'-ATATTTATTGCCATTTAGATCACAACTTTATGACAGCAAGTATACCTACTCACAGACTGT[T>G]TGTTCATGTACGCCGCCTGGTGGCAAAAGGATATAAGGTCAGCTTTGGCTTTAACTTGTG-3'
Protein context (NP_002430.3, residues 281-301): MTASIPTHRL[Phe291Cys]VHVRRLVAKG

ClinVar aggregate classification (germline): Uncertain significance. Review status: criteria provided, multiple submitters, no conflicts (2 of 4 stars). 2 submissions from 2 submitters: Uncertain significance (2). Last evaluated 2025-12-24.

Conditions:
Hereditary cancer-predisposing syndrome. Also called: Hereditary neoplastic syndrome; Tumor predisposition; Neoplastic Syndromes, Hereditary; Hereditary Cancer Syndrome. Identifiers: Orphanet 140162, MedGen C0027672, MeSH D009386, MONDO:0015356.

Allele frequency attached by ClinVar (database versions not stated): gnomAD exomes below 0.00001; ExAC 0.00001; gnomAD 0.00001.
gnomAD v4.1: 1 of 1,613,912 alleles (0.000062%); highest among the groups gnomAD compares: African/African-American, 0.0013%; no homozygotes.

Submissions (2):

Labcorp Genetics (formerly Invitae), Labcorp
Classification: Uncertain significance. Last evaluated: 2025-12-24. Review status: criteria provided, single submitter. Criteria: Invitae Variant Classification Sherloc (09022015). Collection method: clinical testing. Allele origin: germline.
Comment: This sequence change replaces phenylalanine, which is neutral and non-polar, with cysteine, which is neutral and slightly polar, at codon 291 of the MSH3 protein (p.Phe291Cys). This variant is present in population databases (rs749300303, gnomAD 0.007%). This variant has not been reported in the literature in individuals affected with MSH3-related conditions. ClinVar contains an entry for this variant (Variation ID: 1503532). An algorithm developed to predict the effect of missense changes on protein structure and function (PolyPhen-2) suggests that this variant is likely to be disruptive. In summary, the available evidence is currently insufficient to determine the role of this variant in disease. Therefore, it has been classified as a Variant of Uncertain Significance.

Ambry Genetics
Classification: Uncertain significance for Hereditary cancer-predisposing syndrome. Last evaluated: 2023-03-05. Review status: criteria provided, single submitter. Criteria: Ambry Variant Classification Scheme 2023. Collection method: clinical testing. Allele origin: germline.
Comment: The p.F291C variant (also known as c.872T>G), located in coding exon 5 of the MSH3 gene, results from a T to G substitution at nucleotide position 872. The phenylalanine at codon 291 is replaced by cysteine, an amino acid with highly dissimilar properties. This amino acid position is conserved. In addition, this alteration is predicted to be deleterious by in silico analysis. Since supporting evidence is limited at this time, the clinical significance of this alteration remains unclear.